The following is an entry in ClinVar:

ClinVar aggregate classification (germline): Conflicting classifications of pathogenicity. Review status: criteria provided, conflicting classifications (1 of 4 stars). 4 submissions from 4 submitters: Uncertain significance (1); Likely benign (2). 1 of the submissions does not count toward it. Last evaluated 2026-01-26.

Conditions:
Peroxisome biogenesis disorder 12A (Zellweger). Also called: Peroxisome biogenesis disorder 12A. Identifiers: Orphanet 912, MedGen C3554002, MONDO:0013951, OMIM 614886.
PEX19-related disorder. Also called: PEX19-related condition.

Allele frequency attached by ClinVar (database versions not stated): gnomAD exomes 0.00004 and 0.00010; ExAC 0.00012; TOPMed 0.00027; ESP Exome Variant Server 0.00031; gnomAD 0.00042 and 0.00043; 1000 Genomes Project 30x 0.00062; 1000 Genomes Project 0.00080.
gnomAD v4.1: 126 of 1,614,194 alleles (0.0078%); highest among the groups gnomAD compares: African/African-American, 0.15%; no homozygotes.

Submissions (4):

Labcorp Genetics (formerly Invitae), Labcorp
Classification: Likely benign for Peroxisome biogenesis disorder 12A (Zellweger). Last evaluated: 2026-01-26. Review status: criteria provided, single submitter. Criteria: Invitae Variant Classification Sherloc (09022015). Collection method: clinical testing. Allele origin: germline.

Blueprint Genetics
Classification: Likely benign. Last evaluated: 2022-11-29. Review status: criteria provided, single submitter. Criteria: ACMG Guidelines, 2015. Collection method: clinical testing. Allele origin: germline.

Eurofins Ntd Llc (ga)
Classification: Uncertain significance. Last evaluated: 2017-09-05. Review status: criteria provided, single submitter. Criteria: EGL Classification Definitions 2015. Collection method: clinical testing. Allele origin: germline. Observed: 3 variant alleles, 3 heterozygotes.

PreventionGenetics, part of Exact Sciences
Classification: Likely benign for PEX19-related condition. Last evaluated: 2019-11-26. Review status: no assertion criteria provided. Collection method: clinical testing. Allele origin: germline. Not counted in ClinVar's aggregate classification.
Comment: This variant is classified as likely benign based on ACMG/AMP sequence variant interpretation guidelines (Richards et al. 2015 PMID: 25741868, with internal and published modifications).

NM_002857.4(PEX19):c.255G>A (p.Ala85=)

Gene: PEX19 (peroxisomal biogenesis factor 19; minus strand). Cytogenetic location: 1q23.2.
Variant type: single nucleotide variant.
Coding change: c.255G>A on transcript NM_002857.4 (MANE Select); coding-DNA position 255, G replaced by A.
Protein change: p.Ala85=; no amino-acid change (alanine 85 retained).
Molecular consequence: synonymous variant. On other transcripts: non-coding transcript variant (2).
Genome position (GRCh38, 1-based): chr1:160,283,035, C>T on the plus strand (G>A on the coding strand, the complement: PEX19 is on the minus strand). VCF-style: chr1-160283035-C-T. GRCh37 (hg19) VCF-style: chr1-160252825-C-T.
Other names: c.255G>A, p.Ala85= (NM_001193644.1).
Identifiers: ClinVar variation 288371 (VCV000288371.18), dbSNP rs150928521, ClinGen allele CA1197427.
Genomic context (GRCh38, chr1:160,283,035, plus strand): 5'-GAACTGCTCCACCAGGTGGGGTTCTTCCTCAGCCAACTCCTTCATTGCCTTCTCGAACTC[C>T]GCAGTGGCTTGGGAAGCCAGTTCACTGTCGAATAGTTCCTGGAAAAACTTCTCTTGGGAA-3'
Protein context (NP_002848.1, residues 75-95): FDSELASQAT[Ala85=]EFEKAMKELA